The following is an entry in ClinVar:

ClinVar aggregate classification (germline): Uncertain significance (1 of 4 stars; one submission).

Conditions:
CREBBP-related disorder. Also called: CREBBP-related disorders; CREBBP-related condition.

Submission:

PreventionGenetics, part of Exact Sciences
Classification: Uncertain significance for CREBBP-related condition. Last evaluated: 2026-02-10. Review status: criteria provided, single submitter. Criteria: ACMG Guidelines, 2015. Collection method: clinical testing. Allele origin: germline.
Comment: The CREBBP c.4248A>G variant is not predicted to result in an amino acid change (p.=). This variant is predicted to alter splicing based on available splicing prediction programs (SpliceAI, Jaganathan et al. 2019. PubMed ID: 30661751). However, the use of computer prediction programs is not equivalent to functional evidence. To our knowledge, this variant has not been reported in the literature or in a large population database (gnomAD), indicating this variant is rare. At this time, the clinical significance of this variant is uncertain due to the absence of conclusive functional and genetic evidence.

NM_004380.3(CREBBP):c.4248A>G (p.Glu1416=)

Gene: CREBBP (CREB binding lysine acetyltransferase; minus strand). Cytogenetic location: 16p13.3.
Variant type: single nucleotide variant.
Coding change: c.4248A>G on transcript NM_004380.3 (MANE Select); coding-DNA position 4248, A replaced by G.
Protein change: p.Glu1416=; no amino-acid change (glutamic acid 1416 retained).
Molecular consequence: synonymous variant.
Genome position (GRCh38, 1-based): chr16:3,739,610, T>C on the plus strand (A>G on the coding strand, the complement: CREBBP is on the minus strand). VCF-style: chr16-3739610-T-C. GRCh37 (hg19) VCF-style: chr16-3789611-T-C.
Other names: c.4134A>G, p.Glu1378= (NM_001079846.1).
Identifiers: ClinVar variation 4995137 (VCV004995137.1).